The following is an entry in ClinVar:

NM_015443.4(KANSL1):c.2523G>C (p.Gln841His)

Gene: KANSL1 (KAT8 regulatory NSL complex subunit 1). Cytogenetic location: 17q21.31.
Variant type: single nucleotide variant.
Coding change: c.2523G>C on transcript NM_015443.4 (MANE Select); coding-DNA position 2523, G replaced by C.
Protein change: p.Gln841His; replaces glutamine 841 with histidine.
Molecular consequence: missense variant.
Genome position (GRCh38, 1-based): chr17:46,038,556, C>G on the plus strand (G>C on the coding strand, the complement: KANSL1 is on the minus strand). VCF-style: chr17-46038556-C-G. GRCh37 (hg19) VCF-style: chr17-44115922-C-G.
Other names: c.2523G>C, p.Gln841His (NM_001405858.1, NM_001405872.1, NM_001405873.1 and 8 more transcripts); c.2421G>C, p.Gln807His (NM_001405859.1, NM_001405860.1, NM_001405861.1 and 1 more transcripts); c.1257G>C, p.Gln419His (NM_001405882.1, NM_001405883.1); c.1068G>C, p.Gln356His (NM_001405884.1, NM_001405885.1); c.2334G>C, p.Gln778His (NM_001405877.1, NM_001405878.1, NM_001405875.1 and 3 more transcripts); short protein forms Q807H, Q778H, Q356H, Q419H, Q841H.
Identifiers: ClinVar variation 2861952 (VCV002861952.3), dbSNP rs2077218805, ClinGen allele CA399980070.

ClinVar aggregate classification (germline): Uncertain significance (1 of 4 stars; one submission).

Conditions:
Koolen-de Vries syndrome (KDVS). Identifiers: Orphanet 96169, MedGen C1864871, MONDO:0012496, OMIM 610443.

gnomAD v4.1: 1 of 1,613,954 alleles (0.000062%); no homozygotes.

Submission:

Labcorp Genetics (formerly Invitae), Labcorp
Classification: Uncertain significance for Koolen-de Vries syndrome. Last evaluated: 2023-05-04. Review status: criteria provided, single submitter. Criteria: Invitae Variant Classification Sherloc (09022015). Collection method: clinical testing. Allele origin: germline.
Comment: This sequence change replaces glutamine, which is neutral and polar, with histidine, which is basic and polar, at codon 841 of the KANSL1 protein (p.Gln841His). This variant is not present in population databases (gnomAD no frequency). This variant has not been reported in the literature in individuals affected with KANSL1-related conditions. An algorithm developed to predict the effect of missense changes on protein structure and function (PolyPhen-2) suggests that this variant is likely to be disruptive. In summary, the available evidence is currently insufficient to determine the role of this variant in disease. Therefore, it has been classified as a Variant of Uncertain Significance.